The following is an entry in ClinVar:

ClinVar aggregate classification (germline): Likely benign (1 of 4 stars; one submission).

Allele frequency attached by ClinVar (database versions not stated): gnomAD exomes 0.00028; 1000 Genomes Project 30x 0.00187; 1000 Genomes Project 0.00200; gnomAD 0.00306 and 0.00329; ESP Exome Variant Server 0.00307; TOPMed 0.00312.
gnomAD v4.1: 753 of 1,149,752 alleles (0.065%); highest among the groups gnomAD compares: African/African-American, 1.1%; 6 homozygotes.

Submission:

GeneDx
Classification: Likely benign. Last evaluated: 2018-06-19. Review status: criteria provided, single submitter. Criteria: GeneDx Variant Classification (06012015). Collection method: clinical testing. Allele origin: germline. Affected: yes.
Comment: This variant is considered likely benign or benign based on one or more of the following criteria: it is a conservative change, it occurs at a poorly conserved position in the protein, it is predicted to be benign by multiple in silico algorithms, and/or has population frequency not consistent with disease.

NM_021167.5(GATAD1):c.376-56A>G

Gene: GATAD1 (GATA zinc finger domain containing 1; plus strand). Cytogenetic location: 7q21.2.
Variant type: single nucleotide variant.
Coding change: c.376-56A>G on transcript NM_021167.5 (MANE Select); 56 bases into the intron before coding-DNA position 376, A replaced by G.
Molecular consequence: intron variant.
Genome position (GRCh38, 1-based): chr7:92,450,645, A>G. VCF-style: chr7-92450645-A-G. GRCh37 (hg19) VCF-style: chr7-92079959-A-G.
Identifiers: ClinVar variation 675497 (VCV000675497.1), dbSNP rs191104636, ClinGen allele CA161962069.